The following is an entry in ClinVar:

NM_001031710.3(KLHL7):c.1298_1299del (p.Tyr433fs)

Gene: KLHL7 (kelch like family member 7; plus strand). Cytogenetic location: 7p15.3.
Variant type: Deletion.
Coding change: c.1298_1299del on transcript NM_001031710.3 (MANE Select); coding-DNA positions 1298 to 1299, 2 bases deleted (AT; older notation c.1298_1299delAT).
Protein change: p.Tyr433fs; shifts the reading frame from tyrosine 433.
Molecular consequence: frameshift variant. On other transcripts: non-coding transcript variant (1).
Genome position (GRCh38, 1-based): chr7:23,167,956-23,167,957, AT deleted; deleting any 2 consecutive bases within chr7:23,167,955-23,167,957 gives the same sequence; the c. name uses the placement nearest the transcript's 3' end. VCF-style (leftmost placement, unchanged base first): chr7-23167954-CTA-C. GRCh37 (hg19) VCF-style: chr7-23207573-CTA-C.
Other names: c.1154_1155del, p.Tyr385fs (NM_018846.5); short protein forms Y433fs, Y385fs.
Identifiers: ClinVar variation 2110184 (VCV002110184.4), dbSNP rs1426201872, ClinGen allele CA836831192.
Genomic context (GRCh38, chr7:23,167,954, plus strand): 5'-AAAGCCCAGCATGCTGACCCAGCGCTGCAGCCATGGGATGGTGGAAGCCAATGGCCTAAT[CTA>C]TGTTTGTGGTGGAAGTTTAGGAAACAATGTTTCTGGGAGAGTGCTTAATTCCTGTGAAGT-3'

ClinVar aggregate classification (germline): Pathogenic (1 of 4 stars; one submission).

Submission:

Labcorp Genetics (formerly Invitae), Labcorp
Classification: Pathogenic. Last evaluated: 2024-10-29. Review status: criteria provided, single submitter. Criteria: Invitae Variant Classification Sherloc (09022015). Collection method: clinical testing. Allele origin: germline.
Comment: This sequence change creates a premature translational stop signal (p.Tyr433Cysfs*16) in the KLHL7 gene. It is expected to result in an absent or disrupted protein product. Loss-of-function variants in KLHL7 are known to be pathogenic (PMID: 27392078, 29074562, 30426380, 31953236). This variant is not present in population databases (gnomAD no frequency). This variant has not been reported in the literature in individuals affected with KLHL7-related conditions. ClinVar contains an entry for this variant (Variation ID: 2110184). For these reasons, this variant has been classified as Pathogenic.

Literature cited by the submitters: PubMed 27392078; PubMed 29074562; PubMed 30426380; PubMed 31953236.